The following is an entry in ClinVar:

ClinVar aggregate classification (germline): Uncertain significance (1 of 4 stars; one submission).

Submission:

GeneDx
Classification: Uncertain significance. Last evaluated: 2019-11-13. Review status: criteria provided, single submitter. Criteria: GeneDx Variant Classification Process June 2021. Collection method: clinical testing. Allele origin: germline. Affected: yes.
Comment: Not observed in large population cohorts (Lek et al., 2016); In silico analysis, which includes protein predictors and evolutionary conservation, supports a deleterious effect; Has not been previously published as pathogenic or benign to our knowledge

NM_001365902.3(NFIX):c.496C>T (p.His166Tyr)

Gene: NFIX (nuclear factor I X; plus strand). Cytogenetic location: 19p13.13.
Variant type: single nucleotide variant.
Coding change: c.496C>T on transcript NM_001365902.3 (MANE Select); coding-DNA position 496, C replaced by T.
Protein change: p.His166Tyr; replaces histidine 166 with tyrosine.
Molecular consequence: missense variant.
Genome position (GRCh38, 1-based): chr19:13,025,489, C>T. VCF-style: chr19-13025489-C-T. GRCh37 (hg19) VCF-style: chr19-13136303-C-T.
Other names: c.520C>T, p.His174Tyr (NM_001271043.2); c.472C>T, p.His158Tyr (NM_001271044.3, NM_001378404.1); c.496C>T, p.His166Tyr (NM_001365982.2, NM_002501.4); c.355C>T, p.His119Tyr (NM_001365983.2); c.493C>T, p.His165Tyr (NM_001365984.2, NM_001365985.2); c.544C>T, p.His182Tyr (NM_001378405.1); short protein forms H119Y, H158Y, H165Y, H166Y, H174Y, H182Y.
Identifiers: ClinVar variation 1309970 (VCV001309970.2), dbSNP rs2145193598, ClinGen allele CA404315687.